The following is an entry in ClinVar:

NM_005732.4(RAD50):c.721G>T (p.Val241Phe)

Gene: RAD50 (RAD50 double strand break repair protein; plus strand). Cytogenetic location: 5q31.1.
Variant type: single nucleotide variant.
Coding change: c.721G>T on transcript NM_005732.4 (MANE Select); coding-DNA position 721, G replaced by T.
Protein change: p.Val241Phe; replaces valine 241 with phenylalanine.
Molecular consequence: missense variant.
Genome position (GRCh38, 1-based): chr5:132,580,031, G>T. VCF-style: chr5-132580031-G-T. GRCh37 (hg19) VCF-style: chr5-131915723-G-T.
Other names: short protein forms V241F.
Identifiers: ClinVar variation 4826866 (VCV004826866.1).

ClinVar aggregate classification (germline): Uncertain significance (1 of 4 stars; one submission).

Conditions:
Hereditary cancer-predisposing syndrome. Also called: Neoplastic Syndromes, Hereditary; Tumor predisposition; Hereditary Cancer Syndrome; Hereditary neoplastic syndrome. Identifiers: Orphanet 140162, MedGen C0027672, MeSH D009386, MONDO:0015356.

Submission:

Ambry Genetics
Classification: Uncertain significance for Hereditary cancer-predisposing syndrome. Last evaluated: 2026-03-12. Review status: criteria provided, single submitter. Criteria: Ambry Variant Classification Scheme 2023. Collection method: clinical testing. Allele origin: germline.
Comment: The p.V241F variant (also known as c.721G>T), located in coding exon 5 of the RAD50 gene, results from a G to T substitution at nucleotide position 721. The valine at codon 241 is replaced by phenylalanine, an amino acid with highly similar properties. This amino acid position is conserved. In addition, this alteration is predicted to be tolerated by in silico analysis. Based on the available evidence, the clinical significance of this variant remains unclear.